The following is an entry in ClinVar:

ClinVar aggregate classification (germline): Conflicting classifications of pathogenicity. Review status: criteria provided, conflicting classifications (1 of 4 stars). 8 submissions from 8 submitters: Uncertain significance (1); Benign (1); Likely benign (5). 1 of the submissions does not count toward it. Last evaluated 2026-01-04.

Conditions:
Wilson disease (WND). Also called: Wilson's disease. Identifiers: Orphanet 905, MedGen C0019202, MONDO:0010200, OMIM 277900. Disease mechanism: loss of function.

Allele frequency attached by ClinVar (database versions not stated): gnomAD exomes 0.00002 and 0.00016; TOPMed 0.00005; gnomAD 0.00006 and 0.00009; ExAC 0.00014; 1000 Genomes Project 0.00040; 1000 Genomes Project 30x 0.00078.
gnomAD v4.1: 45 of 1,614,178 alleles (0.0028%); highest among the groups gnomAD compares: East Asian, 0.096%; no homozygotes.

Submissions (8):

Labcorp Genetics (formerly Invitae), Labcorp
Classification: Benign for Wilson disease. Last evaluated: 2026-01-04. Review status: criteria provided, single submitter. Criteria: Invitae Variant Classification Sherloc (09022015). Collection method: clinical testing. Allele origin: germline.

ARUP Laboratories, Molecular Genetics and Genomics, ARUP Laboratories
Classification: Likely benign for Wilson disease. Last evaluated: 2024-05-13. Review status: criteria provided, single submitter. Criteria: ARUP Molecular Germline Variant Investigation Process 2024. Collection method: clinical testing. Allele origin: germline.

All of Us Research Program, National Institutes of Health
Classification: Likely benign for Wilson disease. Last evaluated: 2023-11-28. Review status: criteria provided, single submitter. Criteria: ACMG Guidelines, 2015. Collection method: clinical testing. Allele origin: germline. Inheritance: Autosomal recessive inheritance. Observed: 9 variant alleles, 9 heterozygotes.
Comment: This study involves interpretation of variants in research participants for the purpose of population health screening. Participant phenotype was not available at the time of variant classification. Additional details can be found in publication PMID: 35346344, PMCID: PMC8962531

Color Diagnostics, LLC DBA Color Health
Classification: Likely benign for Wilson disease. Last evaluated: 2022-07-08. Review status: criteria provided, single submitter. Criteria: ACMG Guidelines, 2015. Collection method: clinical testing. Allele origin: germline.

Genome-Nilou Lab
Classification: Likely benign for Wilson disease. Last evaluated: 2021-08-10. Review status: criteria provided, single submitter. Criteria: ACMG Guidelines, 2015. Collection method: clinical testing. Allele origin: germline. Affected: no.

Women's Health and Genetics/Laboratory Corporation of America, LabCorp
Classification: Likely benign. Last evaluated: 2019-08-21. Review status: criteria provided, single submitter. Criteria: LabCorp Variant Classification Summary - May 2015. Collection method: clinical testing. Allele origin: germline.

Illumina Laboratory Services, Illumina
Classification: Uncertain significance for Wilson disease. Last evaluated: 2017-11-16. Review status: criteria provided, single submitter. Criteria: ICSL Variant Classification Criteria 13 December 2019. Collection method: clinical testing. Allele origin: germline.
Comment: This variant was observed as part of a predisposition screen in an ostensibly healthy population. A literature search was performed for the gene, cDNA change, and amino acid change (where applicable). Publications were found based on this search. However, the evidence from the literature, in combination with allele frequency data from public databases where available, was not sufficient to rule this variant in or out of causing disease. Therefore, this variant is classified as a variant of unknown significance.

Natera, Inc.
Classification: Likely benign for Wilson disease. Last evaluated: 2020-03-19. Review status: no assertion criteria provided. Collection method: clinical testing. Allele origin: germline. Not counted in ClinVar's aggregate classification.

Literature cited by the submitters: PubMed 27022412 (cited by Illumina Laboratory Services, Illumina).

NM_000053.4(ATP7B):c.4251A>G (p.Thr1417=)

Gene: ATP7B (ATPase copper transporting beta; minus strand). Cytogenetic location: 13q14.3.
Variant type: single nucleotide variant.
Coding change: c.4251A>G on transcript NM_000053.4 (MANE Select); coding-DNA position 4251, A replaced by G.
Protein change: p.Thr1417=; no amino-acid change (threonine 1417 retained).
Molecular consequence: synonymous variant.
Genome position (GRCh38, 1-based): chr13:51,934,903, T>C on the plus strand (A>G on the coding strand, the complement: ATP7B is on the minus strand). VCF-style: chr13-51934903-T-C. GRCh37 (hg19) VCF-style: chr13-52509039-T-C.
Other names: c.3630A>G, p.Thr1210= (NM_001005918.3); c.3918A>G, p.Thr1306= (NM_001243182.2); c.4017A>G, p.Thr1339= (NM_001330578.2); c.3999A>G, p.Thr1333= (NM_001330579.2).
Identifiers: ClinVar variation 633069 (VCV000633069.25), dbSNP rs546721020, ClinGen allele CA6988445.